The following is an entry in ClinVar:

NM_000455.5(STK11):c.290+1G>C

Gene: STK11 (serine/threonine kinase 11; plus strand). Cytogenetic location: 19p13.3.
Variant type: single nucleotide variant.
Coding change: c.290+1G>C on transcript NM_000455.5 (MANE Select); the canonical splice donor site of the intron after coding-DNA position 290, G replaced by C.
Molecular consequence: splice donor variant.
Genome position (GRCh38, 1-based): chr19:1,207,204, G>C. VCF-style: chr19-1207204-G-C. GRCh37 (hg19) VCF-style: chr19-1207203-G-C.
Other names: c.290+1G>C (NM_001407255.1).
Identifiers: ClinVar variation 1370818 (VCV001370818.11), dbSNP rs1131690950, ClinGen allele CA402944663.
Genomic context (GRCh38, chr19:1,207,204, plus strand): 5'-CAAGATCCTCAAGAAGAAGAAGTTGCGAAGGATCCCCAACGGGGAGGCCAACGTGAAGAA[G>C]TAAGTATGGCTTGCTGGGGTCGGGGCCGGGCCGGGCCAGTCACGGTGCTGATGGTTCTGT-3'

ClinVar aggregate classification (germline): Pathogenic. Review status: criteria provided, multiple submitters, no conflicts (2 of 4 stars). 2 submissions from 2 submitters: Pathogenic (2). Last evaluated 2025-03-14.

Conditions:
Peutz-Jeghers syndrome (PJS). Also called: POLYPOSIS, HAMARTOMATOUS INTESTINAL; POLYPS-AND-SPOTS SYNDROME; Peutz-Jeghers polyposis; Periorificial lentiginosis syndrome. Identifiers: Orphanet 2869, MedGen C0031269, MeSH D010580, MONDO:0008280, OMIM 175200.

Submissions (3):

Myriad Genetics, Inc.
Classification: Pathogenic for Peutz-Jeghers syndrome. Last evaluated: 2025-03-14. Review status: criteria provided, single submitter. Criteria: Myriad Autosomal Dominant, Autosomal Recessive and X-Linked Classification Criteria (2023). Collection method: clinical testing. Allele origin: unknown.
Comment: This variant is considered pathogenic. This variant occurs within a consensus splice junction and is predicted to result in abnormal mRNA splicing of either an out-of-frame exon or an in-frame exon necessary for protein stability and/or normal function. This variant has been reported in multiple individuals with clinical features of gene-specific disease [PMID: 30528796, 26607058, 23430953, 11389158, 29310834].

Labcorp Genetics (formerly Invitae), Labcorp
Classification: Pathogenic for Peutz-Jeghers syndrome. Last evaluated: 2020-12-20. Review status: criteria provided, single submitter. Criteria: Invitae Variant Classification Sherloc (09022015). Collection method: clinical testing. Allele origin: germline.
Comment: For these reasons, this variant has been classified as Pathogenic. Algorithms developed to predict the effect of sequence changes on RNA splicing suggest that this variant may disrupt the consensus splice site, but this prediction has not been confirmed by published transcriptional studies. Disruption of this splice site has been observed in individual(s) with Peutz-Jeghers syndrome (PMID: 16707622, 11389158, 16287113, 19727776, Invitae). This variant is also known as IVS1+1G>C in the literature. This variant is not present in population databases (ExAC no frequency). This sequence change affects a donor splice site in intron 1 of the STK11 gene. It is expected to disrupt RNA splicing. Variants that disrupt the donor or acceptor splice site typically lead to a loss of protein function (PMID: 16199547), and loss-of-function variants in STK11 are known to be pathogenic (PMID: 15188174, 16287113).

Dr. Peter K. Rogan Lab, Western University
No classification provided (evidence only). Condition: Gastric cancer. Review status: no classification provided. Collection method: in vitro. Allele origin: not applicable. Functional consequence: retained intron. Not counted in ClinVar's aggregate classification.

Literature cited by the submitters: PubMed 30528796 (cited by Myriad Genetics, Inc.); PubMed 26607058 (cited by Myriad Genetics, Inc.); PubMed 23430953 (cited by Myriad Genetics, Inc.); PubMed 11389158 (cited by Myriad Genetics, Inc. and Labcorp Genetics (formerly Invitae), Labcorp); PubMed 29310834 (cited by Myriad Genetics, Inc.); PubMed 16707622 (cited by Labcorp Genetics (formerly Invitae), Labcorp); PubMed 16287113 (cited by Labcorp Genetics (formerly Invitae), Labcorp); PubMed 19727776 (cited by Labcorp Genetics (formerly Invitae), Labcorp); PubMed 16199547 (cited by Labcorp Genetics (formerly Invitae), Labcorp); PubMed 15188174 (cited by Labcorp Genetics (formerly Invitae), Labcorp).